The following is an entry in ClinVar:

ClinVar aggregate classification (germline): Uncertain significance (1 of 4 stars; one submission).

Conditions:
Inborn genetic diseases. Identifiers: MedGen C0950123, MeSH D030342.

Submission:

Ambry Genetics
Classification: Uncertain significance for Inborn genetic diseases. Last evaluated: 2025-04-17. Review status: criteria provided, single submitter. Criteria: Ambry Variant Classification Scheme 2023. Collection method: clinical testing. Allele origin: germline.
Comment: The p.L35R variant (also known as c.104T>G), located in coding exon 2 of the FANCG gene, results from a T to G substitution at nucleotide position 104. The leucine at codon 35 is replaced by arginine, an amino acid with dissimilar properties. This amino acid position is conserved. In addition, this alteration is predicted to be tolerated by in silico analysis. Based on the available evidence, the clinical significance of this variant remains unclear.

NM_004629.2(FANCG):c.104T>G (p.Leu35Arg)

Gene: FANCG (FA complementation group G; minus strand). Cytogenetic location: 9p13.3.
Variant type: single nucleotide variant.
Coding change: c.104T>G on transcript NM_004629.2 (MANE Select); coding-DNA position 104, T replaced by G.
Protein change: p.Leu35Arg; replaces leucine 35 with arginine.
Molecular consequence: missense variant.
Genome position (GRCh38, 1-based): chr9:35,079,222, A>C on the plus strand (T>G on the coding strand, the complement: FANCG is on the minus strand). VCF-style: chr9-35079222-A-C. GRCh37 (hg19) VCF-style: chr9-35079219-A-C.
Other names: short protein forms L35R.
Identifiers: ClinVar variation 4022492 (VCV004022492.1).